The following is an entry in ClinVar:

ClinVar aggregate classification (germline): Conflicting classifications of pathogenicity. Review status: criteria provided, conflicting classifications (1 of 4 stars). 3 submissions from 3 submitters: Uncertain significance (2); Likely benign (1). Last evaluated 2026-10-01.

Conditions:
Rhabdoid tumor predisposition syndrome 2 (RTPS2). Identifiers: Orphanet 231108, Orphanet 69077, MedGen C2750074, MONDO:0013224, OMIM 613325.
Hereditary cancer-predisposing syndrome. Also called: Hereditary Cancer Syndrome; Neoplastic Syndromes, Hereditary; Tumor predisposition; Hereditary neoplastic syndrome. Identifiers: Orphanet 140162, MedGen C0027672, MeSH D009386, MONDO:0015356.

Allele frequency attached by ClinVar (database versions not stated): TOPMed below 0.00001; gnomAD 0.00001.
gnomAD v4.1: 2 of 1,612,508 alleles (0.00012%); highest among the groups gnomAD compares: African/African-American, 0.0027%; no homozygotes.

Submissions (3):

St. Jude Molecular Pathology, St. Jude Children's Research Hospital
Classification: Uncertain significance for Rhabdoid tumor predisposition syndrome 2. Last evaluated: 2026-10-01. Review status: criteria provided, single submitter. Criteria: St. Jude Assertion Criteria 2020. Collection method: clinical testing. Allele origin: germline.
Comment: The SMARCA4 c.788C>G p.(Pro263Arg) missense change has a maximum subpopulation frequency of 0.02% in gnomAD v2.1.1. The in silico tool REVEL is inconclusive about a pathogenic or b enign effect of this variant on protein function, and to our knowledge functional studies have not been performed. To our knowledge, this variant has not been reported in individuals with rhabdoid tumor predisposition syndrome. In summary, the evidence c urrently available is insufficient to determine the clinical significance of this variant. It has therefore been classified as of uncertain significance.

Ambry Genetics
Classification: Likely benign for Hereditary cancer-predisposing syndrome. Last evaluated: 2025-02-13. Review status: criteria provided, single submitter. Criteria: Ambry Variant Classification Scheme 2023. Collection method: clinical testing. Allele origin: germline.

Labcorp Genetics (formerly Invitae), Labcorp
Classification: Uncertain significance for Rhabdoid tumor predisposition syndrome 2. Last evaluated: 2023-11-02. Review status: criteria provided, single submitter. Criteria: Invitae Variant Classification Sherloc (09022015). Collection method: clinical testing. Allele origin: germline.
Comment: This sequence change replaces proline, which is neutral and non-polar, with arginine, which is basic and polar, at codon 263 of the SMARCA4 protein (p.Pro263Arg). This variant is present in population databases (no rsID available, gnomAD 0.02%). This variant has not been reported in the literature in individuals affected with SMARCA4-related conditions. ClinVar contains an entry for this variant (Variation ID: 565857). Advanced modeling of protein sequence and biophysical properties (such as structural, functional, and spatial information, amino acid conservation, physicochemical variation, residue mobility, and thermodynamic stability) has been performed at Invitae for this missense variant, however the output from this modeling did not meet the statistical confidence thresholds required to predict the impact of this variant on SMARCA4 protein function. In summary, the available evidence is currently insufficient to determine the role of this variant in disease. Therefore, it has been classified as a Variant of Uncertain Significance.

NM_003072.5(SMARCA4):c.788C>G (p.Pro263Arg)

Gene: SMARCA4 (SWI/SNF related BAF chromatin remodeling complex subunit ATPase 4; plus strand). Cytogenetic location: 19p13.2.
Variant type: single nucleotide variant.
Coding change: c.788C>G on transcript NM_003072.5 (MANE Select); coding-DNA position 788, C replaced by G.
Protein change: p.Pro263Arg; replaces proline 263 with arginine.
Molecular consequence: missense variant. On other transcripts: non-coding transcript variant (1).
Genome position (GRCh38, 1-based): chr19:10,986,932, C>G. VCF-style: chr19-10986932-C-G. GRCh37 (hg19) VCF-style: chr19-11097608-C-G.
Other names: c.788C>G, p.Pro263Arg (NM_001128844.3, NM_001128845.2, NM_001128846.2 and 5 more transcripts); c.788C>G (NM_001128849.2); short protein forms P263R.
Identifiers: ClinVar variation 565857 (VCV000565857.13), dbSNP rs1489647083, ClinGen allele CA404057922.